The following is an entry in ClinVar:

ClinVar aggregate classification (germline): Uncertain significance. Review status: criteria provided, multiple submitters, no conflicts (2 of 4 stars). 2 submissions from 2 submitters: Uncertain significance (2). Last evaluated 2023-11-11.

Conditions:
Wilms tumor 1 (WT1). Also called: Wilms tumor, somatic. Identifiers: Orphanet 654, MedGen CN033288, MONDO:0008679, OMIM 194070.
Inborn genetic diseases. Identifiers: MedGen C0950123, MeSH D030342.

Allele frequency attached by ClinVar (database versions not stated): gnomAD exomes below 0.00001.
gnomAD v4.1: 2 of 1,204,781 alleles (0.00017%); highest among the groups gnomAD compares: Non-Finnish European, 0.00022%; no homozygotes.

Submissions (2):

Labcorp Genetics (formerly Invitae), Labcorp
Classification: Uncertain significance for Wilms tumor 1. Last evaluated: 2023-11-11. Review status: criteria provided, single submitter. Criteria: Invitae Variant Classification Sherloc (09022015). Collection method: clinical testing. Allele origin: germline.
Comment: This sequence change replaces serine, which is neutral and polar, with phenylalanine, which is neutral and non-polar, at codon 397 of the GPC3 protein (p.Ser397Phe). This variant is not present in population databases (gnomAD no frequency). This variant has not been reported in the literature in individuals affected with GPC3-related conditions. ClinVar contains an entry for this variant (Variation ID: 839100). Advanced modeling of protein sequence and biophysical properties (such as structural, functional, and spatial information, amino acid conservation, physicochemical variation, residue mobility, and thermodynamic stability) has been performed at Invitae for this missense variant, however the output from this modeling did not meet the statistical confidence thresholds required to predict the impact of this variant on GPC3 protein function. In summary, the available evidence is currently insufficient to determine the role of this variant in disease. Therefore, it has been classified as a Variant of Uncertain Significance.

Ambry Genetics
Classification: Uncertain significance for Inborn genetic diseases. Last evaluated: 2023-07-12. Review status: criteria provided, single submitter. Criteria: Ambry Variant Classification Scheme 2023. Collection method: clinical testing. Allele origin: germline.

NM_004484.4(GPC3):c.1190C>T (p.Ser397Phe)

Gene: GPC3 (glypican 3; minus strand). Cytogenetic location: Xq26.2.
Variant type: single nucleotide variant.
Coding change: c.1190C>T on transcript NM_004484.4 (MANE Select); coding-DNA position 1190, C replaced by T.
Protein change: p.Ser397Phe; replaces serine 397 with phenylalanine.
Molecular consequence: missense variant.
Genome position (GRCh38, 1-based): chrX:133,692,471, G>A on the plus strand (C>T on the coding strand, the complement: GPC3 is on the minus strand). VCF-style: chrX-133692471-G-A. GRCh37 (hg19) VCF-style: chrX-132826499-G-A.
Other names: c.1259C>T, p.Ser420Phe (NM_001164617.2); c.1142C>T, p.Ser381Phe (NM_001164618.2); c.1028C>T, p.Ser343Phe (NM_001164619.2); short protein forms S381F, S397F, S343F, S420F.
Identifiers: ClinVar variation 839100 (VCV000839100.12), dbSNP rs2071074547, ClinGen allele CA414705738.
Genomic context (GRCh38, chrX:133,692,471, plus strand): 5'-TCCGCCACAGGGCTATGGCTGCAGATGTAGCCAGGCAAAGCACTATAGAAGCTGATGAAA[G>A]ACTTCAACTTCTGAATTAGTTCCCTAAAAGAAAAACAAAACATCTGTGCATAAGAGGCAA-3'
Protein context (NP_004475.1, residues 387-407): RRRELIQKLK[Ser397Phe]FISFYSALPG